The following is an entry in ClinVar:

NM_004982.4(KCNJ8):c.55G>A (p.Ala19Thr)

Genes: KCNJ8 (potassium inwardly rectifying channel subfamily J member 8; minus strand), KCNJ8-AS1 (KCNJ8 antisense RNA 1; plus strand). Cytogenetic location: 12p12.1.
Variant type: single nucleotide variant.
Coding change: c.55G>A on transcript NM_004982.4 (MANE Select); coding-DNA position 55, G replaced by A.
Protein change: p.Ala19Thr; replaces alanine 19 with threonine.
Molecular consequence: missense variant.
Genome position (GRCh38, 1-based): chr12:21,773,562, C>T on the plus strand (G>A on the coding strand, the complement: KCNJ8 is on the minus strand). VCF-style: chr12-21773562-C-T. GRCh37 (hg19) VCF-style: chr12-21926496-C-T.
Other names: short protein forms A19T.
Identifiers: ClinVar variation 2728014 (VCV002728014.3), dbSNP rs776266885, ClinGen allele CA6480742.

ClinVar aggregate classification (germline): Uncertain significance (1 of 4 stars; one submission).

Conditions:
Brugada syndrome. Also called: Sudden Unexplained Death Syndrome; Sudden Unexplained Nocturnal Death Syndrome (SUNDS); Sudden unexplained nocturnal death syndrome; Sudden unexpected nocturnal death syndrome. Identifiers: Orphanet 130, MedGen C1142166, MONDO:0015263.

Allele frequency attached by ClinVar (database versions not stated): ExAC 0.00001; TOPMed 0.00001.
gnomAD v4.1: 4 of 1,614,066 alleles (0.00025%); highest among the groups gnomAD compares: Admixed American, 0.005%; no homozygotes.

Submission:

Labcorp Genetics (formerly Invitae), Labcorp
Classification: Uncertain significance for Brugada syndrome. Last evaluated: 2023-09-21. Review status: criteria provided, single submitter. Criteria: Invitae Variant Classification Sherloc (09022015). Collection method: clinical testing. Allele origin: germline.
Comment: In summary, the available evidence is currently insufficient to determine the role of this variant in disease. Therefore, it has been classified as a Variant of Uncertain Significance. Advanced modeling of protein sequence and biophysical properties (such as structural, functional, and spatial information, amino acid conservation, physicochemical variation, residue mobility, and thermodynamic stability) performed at Invitae indicates that this missense variant is not expected to disrupt KCNJ8 protein function. This variant has not been reported in the literature in individuals affected with KCNJ8-related conditions. This variant is present in population databases (rs776266885, gnomAD 0.009%). This sequence change replaces alanine, which is neutral and non-polar, with threonine, which is neutral and polar, at codon 19 of the KCNJ8 protein (p.Ala19Thr).